The following is an entry in ClinVar:

NM_152424.4(AMER1):c.905A>G (p.Asn302Ser)

Gene: AMER1 (APC membrane recruitment protein 1; minus strand). Cytogenetic location: Xq11.2.
Variant type: single nucleotide variant.
Coding change: c.905A>G on transcript NM_152424.4 (MANE Select); coding-DNA position 905, A replaced by G.
Protein change: p.Asn302Ser; replaces asparagine 302 with serine.
Molecular consequence: missense variant.
Genome position (GRCh38, 1-based): chrX:64,192,382, T>C on the plus strand (A>G on the coding strand, the complement: AMER1 is on the minus strand). VCF-style: chrX-64192382-T-C. GRCh37 (hg19) VCF-style: chrX-63412262-T-C.
Other names: short protein forms N302S.
Identifiers: ClinVar variation 4749110 (VCV004749110.1).

ClinVar aggregate classification (germline): Uncertain significance (1 of 4 stars; one submission).

gnomAD v4.1: 8 of 1,211,042 alleles (0.00066%); highest among the groups gnomAD compares: Admixed American, 0.0044%; no homozygotes.

Submission:

Labcorp Genetics (formerly Invitae), Labcorp
Classification: Uncertain significance. Last evaluated: 2025-06-29. Review status: criteria provided, single submitter. Criteria: Invitae Variant Classification Sherloc (09022015). Collection method: clinical testing. Allele origin: germline.
Comment: This sequence change replaces asparagine, which is neutral and polar, with serine, which is neutral and polar, at codon 302 of the AMER1 protein (p.Asn302Ser). This variant is present in population databases (no rsID available, gnomAD 0.001%). This variant has not been reported in the literature in individuals affected with AMER1-related conditions. An algorithm developed to predict the effect of missense changes on protein structure and function outputs the following: PolyPhen-2: "Benign". The serine amino acid residue is found in multiple mammalian species, which suggests that this missense change does not adversely affect protein function. In summary, the available evidence is currently insufficient to determine the role of this variant in disease. Therefore, it has been classified as a Variant of Uncertain Significance.